The following is an entry in ClinVar:

NM_032409.3(PINK1):c.1502G>A (p.Arg501Gln)

Genes: PINK1 (PTEN induced kinase 1; plus strand), PINK1-AS (PINK1 antisense RNA; minus strand). Cytogenetic location: 1p36.12.
Variant type: single nucleotide variant.
Coding change: c.1502G>A on transcript NM_032409.3 (MANE Select); coding-DNA position 1502, G replaced by A.
Protein change: p.Arg501Gln; replaces arginine 501 with glutamine.
Molecular consequence: missense variant. On other transcripts: non-coding transcript variant (1).
Genome position (GRCh38, 1-based): chr1:20,650,447, G>A. VCF-style: chr1-20650447-G-A. GRCh37 (hg19) VCF-style: chr1-20976940-G-A.
Other names: p.Arg501Gln; short protein forms R501Q.
Identifiers: ClinVar variation 703805 (VCV000703805.44), dbSNP rs61744200, ClinGen allele CA660865.

ClinVar aggregate classification (germline): Benign/Likely benign. Review status: criteria provided, multiple submitters, no conflicts (2 of 4 stars). 7 submissions from 7 submitters: Benign (3); Likely benign (4). Last evaluated 2026-01-26.

Conditions:
Autosomal recessive early-onset Parkinson disease 6 (PARK6). Also called: PINK1 Type of Young-Onset Parkinson Disease; PINK1-Related Parkinson Disease; PARKINSON DISEASE 6, EARLY-ONSET; PARKINSON DISEASE 6, MODIFIER OF. Identifiers: Orphanet 2828, MedGen C1853833, MONDO:0011613, OMIM 605909.

Allele frequency attached by ClinVar (database versions not stated): ExAC 0.00289; gnomAD 0.00901 and 0.00956; ESP Exome Variant Server 0.00923; TOPMed 0.00946; 1000 Genomes Project 0.01258; 1000 Genomes Project 30x 0.01421.
gnomAD v4.1: 2,813 of 1,613,882 alleles (0.17%); highest among the groups gnomAD compares: African/African-American, 3.3%; 46 homozygotes.

Submissions (7):

Labcorp Genetics (formerly Invitae), Labcorp
Classification: Benign for Autosomal recessive early-onset Parkinson disease 6. Last evaluated: 2026-01-26. Review status: criteria provided, single submitter. Criteria: Invitae Variant Classification Sherloc (09022015). Collection method: clinical testing. Allele origin: germline.

Mayo Clinic Laboratories, Mayo Clinic
Classification: Likely benign. Last evaluated: 2025-06-30. Review status: criteria provided, single submitter. Criteria: ACMG Guidelines, 2015. Collection method: clinical testing. Allele origin: germline. Observed: 3 variant alleles.
Comment: BA1, BS2, BP4

CeGaT Center for Human Genetics Tuebingen
Classification: Benign. Last evaluated: 2022-08-01. Review status: criteria provided, single submitter. Criteria: CeGaT Center For Human Genetics Tuebingen Variant Classification Criteria Version 2. Collection method: clinical testing. Allele origin: germline. Affected: yes. Observed: 1 variant allele.
Comment: PINK1: BS1, BS2

Fulgent Genetics
Classification: Likely benign for Autosomal recessive early-onset Parkinson disease 6. Last evaluated: 2022-05-11. Review status: criteria provided, single submitter. Criteria: ACMG Guidelines, 2015. Collection method: clinical testing. Allele origin: unknown.

GeneDx
Classification: Likely benign. Last evaluated: 2020-10-28. Review status: criteria provided, single submitter. Criteria: GeneDx Variant Classification Process June 2021. Collection method: clinical testing. Allele origin: germline. Affected: yes.

Illumina Laboratory Services, Illumina
Classification: Benign for Autosomal recessive early-onset Parkinson disease 6. Last evaluated: 2017-04-28. Review status: criteria provided, single submitter. Criteria: ICSL Variant Classification Criteria 13 December 2019. Collection method: clinical testing. Allele origin: germline.
Comment: This variant was observed as part of a predisposition screen in an ostensibly healthy population. A literature search was performed for the gene, cDNA change, and amino acid change (where applicable). No publications were found based on this search. Allele frequency data from public databases was too high to be consistent with this variant causing disease. Therefore, this variant is classified as benign.

Breakthrough Genomics
Classification: Likely benign. Review status: criteria provided, single submitter. Criteria: ACMG Guidelines, 2015. Collection method: not provided. Allele origin: germline. Inheritance: Autosomal recessive inheritance. Affected: yes.

Literature cited by the submitters: PubMed 30954774 (cited by Mayo Clinic Laboratories, Mayo Clinic); PubMed 33519679 (cited by Mayo Clinic Laboratories, Mayo Clinic); PubMed 35954270 (cited by Mayo Clinic Laboratories, Mayo Clinic).